The following is an entry in ClinVar:

NM_000059.4(BRCA2):c.6940A>G (p.Thr2314Ala)

Gene: BRCA2 (BRCA2 DNA repair associated; plus strand). Cytogenetic location: 13q13.1.
Variant type: single nucleotide variant.
Coding change: c.6940A>G on transcript NM_000059.4 (MANE Select); coding-DNA position 6940, A replaced by G.
Protein change: p.Thr2314Ala; replaces threonine 2314 with alanine.
Molecular consequence: missense variant.
Genome position (GRCh38, 1-based): chr13:32,346,829, A>G. VCF-style: chr13-32346829-A-G. GRCh37 (hg19) VCF-style: chr13-32920966-A-G.
Other names: short protein forms T2314A.
Identifiers: ClinVar variation 826718 (VCV000826718.17), dbSNP rs1593913165, ClinGen allele CA387792970.

ClinVar aggregate classification (germline): Uncertain significance. Review status: criteria provided, multiple submitters, no conflicts (2 of 4 stars). 4 submissions from 4 submitters: Uncertain significance (4). Last evaluated 2025-07-03.

Conditions:
Hereditary cancer-predisposing syndrome. Also called: Hereditary Cancer Syndrome; Neoplastic Syndromes, Hereditary; Tumor predisposition; Hereditary neoplastic syndrome. Identifiers: Orphanet 140162, MedGen C0027672, MeSH D009386, MONDO:0015356.
Breast-ovarian cancer, familial, susceptibility to, 2 (BROVCA2). Also called: BRCA2 Hereditary Breast and Ovarian Cancer. Identifiers: Orphanet 145, MedGen C2675520, MONDO:0012933, OMIM 612555. Disease mechanism: loss of function.
Hereditary breast ovarian cancer syndrome. Also called: BRCA1- and BRCA2-Associated Hereditary Breast and Ovarian Cancer; Hereditary breast and ovarian cancer; Hereditary breast and ovarian cancer syndrome (HBOC); Hereditary breast and/or ovarian cancer syndrome; Breast and ovarian cancer; Hereditary breast and ovarian cancer syndrome. Identifiers: Orphanet 145, MedGen C0677776, MeSH D061325, MONDO:0003582. Disease mechanism: loss of function.

Submissions (4):

Dasa
Classification: Uncertain significance for Breast-ovarian cancer, familial, susceptibility to, 2. Last evaluated: 2025-07-03. Review status: criteria provided, single submitter. Criteria: DASA Assertion Criteria. Collection method: clinical testing. Allele origin: germline.
Comment: NM_000059.4(BRCA2):c.6940A>G (p.Thr2314Ala) is a missense variant that results in the substitution of threonine with alanine. This variant is absent from population databases. The currently available literature and clinical evidence are not sufficient to establish a definitive association between this variant and the reported condition. Therefore, this variant is classified as a variant of uncertain significance.

Labcorp Genetics (formerly Invitae), Labcorp
Classification: Uncertain significance for Hereditary breast ovarian cancer syndrome. Last evaluated: 2024-02-15. Review status: criteria provided, single submitter. Criteria: Invitae Variant Classification Sherloc (09022015). Collection method: clinical testing. Allele origin: germline.
Comment: This sequence change replaces threonine, which is neutral and polar, with alanine, which is neutral and non-polar, at codon 2314 of the BRCA2 protein (p.Thr2314Ala). This variant is not present in population databases (gnomAD no frequency). This variant has not been reported in the literature in individuals affected with BRCA2-related conditions. ClinVar contains an entry for this variant (Variation ID: 826718). Algorithms developed to predict the effect of missense changes on protein structure and function output the following: SIFT: "Not Available"; PolyPhen-2: "Benign"; Align-GVGD: "Not Available". The alanine amino acid residue is found in multiple mammalian species, which suggests that this missense change does not adversely affect protein function. In summary, the available evidence is currently insufficient to determine the role of this variant in disease. Therefore, it has been classified as a Variant of Uncertain Significance.

Ambry Genetics
Classification: Uncertain significance for Hereditary cancer-predisposing syndrome. Last evaluated: 2023-07-12. Review status: criteria provided, single submitter. Criteria: Ambry Variant Classification Scheme 2023. Collection method: clinical testing. Allele origin: germline.
Comment: The p.T2314A variant (also known as c.6940A>G), located in coding exon 12 of the BRCA2 gene, results from an A to G substitution at nucleotide position 6940. The threonine at codon 2314 is replaced by alanine, an amino acid with similar properties. This amino acid position is not well conserved in available vertebrate species. In addition, the in silico prediction for this alteration is inconclusive. Since supporting evidence is limited at this time, the clinical significance of this alteration remains unclear.

GeneDx
Classification: Uncertain significance. Last evaluated: 2019-09-17. Review status: criteria provided, single submitter. Criteria: GeneDx Variant Classification Process June 2021. Collection method: clinical testing. Allele origin: germline. Affected: yes.
Comment: Not observed in large population cohorts (Lek et al., 2016); In silico analysis, which includes protein predictors and evolutionary conservation, supports that this variant does not alter protein structure/function; Has not been previously published as pathogenic or benign to our knowledge; Also known as 7168A>G